The following is an entry in ClinVar:

ClinVar aggregate classification (germline): Conflicting classifications of pathogenicity. Review status: criteria provided, conflicting classifications (1 of 4 stars). 5 submissions from 5 submitters: Uncertain significance (2); Likely benign (3). Last evaluated 2026-08-06.

Conditions:
Monogenic short statue.
KBG syndrome (KBGS). Also called: ANKRD11-Related KBG Syndrome. Identifiers: Orphanet 2332, MedGen C0220687, MONDO:0007846, OMIM 148050.

Allele frequency attached by ClinVar (database versions not stated): ExAC 0.00002; TOPMed 0.00002; gnomAD 0.00003; gnomAD exomes 0.00003 and 0.00004; ESP Exome Variant Server 0.00008.
gnomAD v4.1: 53 of 1,611,326 alleles (0.0033%); highest among the groups gnomAD compares: Middle Eastern, 0.016%; no homozygotes.

Submissions (5):

NHS Central & South Genomic Laboratory Hub
Classification: Uncertain significance for Monogenic short statue. Last evaluated: 2026-08-06. Review status: criteria provided, single submitter. Criteria: ACMG Guidelines, 2015. Collection method: clinical testing. Allele origin: germline. Affected: yes.

Labcorp Genetics (formerly Invitae), Labcorp
Classification: Uncertain significance for KBG syndrome. Last evaluated: 2025-03-19. Review status: criteria provided, single submitter. Criteria: Invitae Variant Classification Sherloc (09022015). Collection method: clinical testing. Allele origin: germline.
Comment: This sequence change replaces glycine, which is neutral and non-polar, with serine, which is neutral and polar, at codon 964 of the ANKRD11 protein (p.Gly964Ser). This variant is present in population databases (rs375695945, gnomAD 0.02%). This variant has not been reported in the literature in individuals affected with ANKRD11-related conditions. ClinVar contains an entry for this variant (Variation ID: 1212100). Invitae Evidence Modeling of protein sequence and biophysical properties (such as structural, functional, and spatial information, amino acid conservation, physicochemical variation, residue mobility, and thermodynamic stability) indicates that this missense variant is not expected to disrupt ANKRD11 protein function with a negative predictive value of 95%. In summary, the available evidence is currently insufficient to determine the role of this variant in disease. Therefore, it has been classified as a Variant of Uncertain Significance.

Blueprint Genetics
Classification: Likely benign. Last evaluated: 2024-08-02. Review status: criteria provided, single submitter. Criteria: ACMG Guidelines, 2015. Collection method: clinical testing. Allele origin: germline.

CeGaT Center for Human Genetics Tuebingen
Classification: Likely benign. Last evaluated: 2022-03-01. Review status: criteria provided, single submitter. Criteria: CeGaT Center For Human Genetics Tuebingen Variant Classification Criteria Version 2. Collection method: clinical testing. Allele origin: germline. Affected: yes. Observed: 1 variant allele.
Comment: ANKRD11: BP4

GeneDx
Classification: Likely benign. Last evaluated: 2019-11-08. Review status: criteria provided, single submitter. Criteria: GeneDx Variant Classification Process June 2021. Collection method: clinical testing. Allele origin: germline. Affected: yes.
Comment: In silico analysis, which includes protein predictors and evolutionary conservation, supports that this variant does not alter protein structure/function

NM_013275.6(ANKRD11):c.2890G>A (p.Gly964Ser)

Gene: ANKRD11 (ankyrin repeat domain 11; minus strand). Cytogenetic location: 16q24.3.
Variant type: single nucleotide variant.
Coding change: c.2890G>A on transcript NM_013275.6 (MANE Select); coding-DNA position 2890, G replaced by A.
Protein change: p.Gly964Ser; replaces glycine 964 with serine.
Molecular consequence: missense variant.
Genome position (GRCh38, 1-based): chr16:89,283,652, C>T on the plus strand (G>A on the coding strand, the complement: ANKRD11 is on the minus strand). VCF-style: chr16-89283652-C-T. GRCh37 (hg19) VCF-style: chr16-89350060-C-T.
Other names: c.2890G>A, p.Gly964Ser (NM_001256182.2, NM_001256183.2); short protein forms G964S.
Identifiers: ClinVar variation 1212100 (VCV001212100.31), dbSNP rs375695945, ClinGen allele CA8242485.
Genomic context (GRCh38, chr16:89,283,652, plus strand): 5'-CACTCTCGCAGCCACACTCCTTCAGCTCCTCCCGGTGCGCCTCCTCGGGCTTGGCCCTGC[C>T]GTCCCTGCGCTCCTTGCAGCTCTCCAGGGCGTCCTTTCTGTCCCGCCCGGCCTCTGCGGA-3'
Protein context (NP_037407.4, residues 954-974): ALESCKERRD[Gly964Ser]RAKPEEAHRE